The following is an entry in ClinVar:

NM_001128126.3(AP4S1):c.44G>A (p.Arg15Gln)

Gene: AP4S1 (adaptor related protein complex 4 subunit sigma 1; plus strand). Cytogenetic location: 14q12.
Variant type: single nucleotide variant.
Coding change: c.44G>A on transcript NM_001128126.3 (MANE Select); coding-DNA position 44, G replaced by A.
Protein change: p.Arg15Gln; replaces arginine 15 with glutamine.
Molecular consequence: missense variant.
Genome position (GRCh38, 1-based): chr14:31,066,240, G>A. VCF-style: chr14-31066240-G-A. GRCh37 (hg19) VCF-style: chr14-31535446-G-A.
Other names: c.44G>A, p.Arg15Gln (NM_001254726.2, NM_001254727.2, NM_001254728.2 and 2 more transcripts); short protein forms R15Q.
Identifiers: ClinVar variation 2431495 (VCV002431495.2), dbSNP rs1594680613, ClinGen allele CA389358673.

ClinVar aggregate classification (germline): Uncertain significance (1 of 4 stars; one submission).

Conditions:
Hereditary spastic paraplegia 52 (SPG52). Also called: CEREBRAL PALSY, SPASTIC QUADRIPLEGIC, 6; SPASTIC PARAPLEGIA 52, AUTOSOMAL RECESSIVE. Identifiers: Orphanet 280763, MedGen C3279743, MONDO:0013552, OMIM 614067.

Allele frequency attached by ClinVar (database versions not stated): gnomAD 0.00001; gnomAD exomes 0.00001; TOPMed 0.00002.
gnomAD v4.1: 10 of 1,613,772 alleles (0.00062%); highest among the groups gnomAD compares: Admixed American, 0.0017%; no homozygotes.

Submission:

Laboratorio de Genetica e Diagnostico Molecular, Hospital Israelita Albert Einstein
Classification: Uncertain significance for Hereditary spastic paraplegia 52. Last evaluated: 2022-12-15. Review status: criteria provided, single submitter. Criteria: ACMG Guidelines, 2015. Collection method: clinical testing. Allele origin: germline. Affected: yes.
Comment: ACMG classification criteria: PM2 moderated